The following is an entry in ClinVar:

NM_000057.4(BLM):c.954C>G (p.Cys318Trp)

Gene: BLM (BLM RecQ like helicase; plus strand). Cytogenetic location: 15q26.1.
Variant type: single nucleotide variant.
Coding change: c.954C>G on transcript NM_000057.4 (MANE Select); coding-DNA position 954, C replaced by G.
Protein change: p.Cys318Trp; replaces cysteine 318 with tryptophan.
Molecular consequence: missense variant. On other transcripts: 5 prime UTR variant (1).
Genome position (GRCh38, 1-based): chr15:90,751,941, C>G. VCF-style: chr15-90751941-C-G. GRCh37 (hg19) VCF-style: chr15-91295171-C-G.
Other names: c.954C>G, p.Cys318Trp (NM_001287246.2, NM_001287247.2); c.-338C>G (NM_001287248.2); c.954C>G (NM_000057.3); short protein forms C318W.
Identifiers: ClinVar variation 823325 (VCV000823325.10), dbSNP rs1596221322, ClinGen allele CA393841954.

ClinVar aggregate classification (germline): Uncertain significance. Review status: criteria provided, multiple submitters, no conflicts (2 of 4 stars). 4 submissions from 4 submitters: Uncertain significance (3). 1 of the submissions does not count toward it. Last evaluated 2025-06-11.

Conditions:
Bloom syndrome (BLM). Also called: Bloom-Torre-Machacek syndrome. Identifiers: Orphanet 125, MedGen C0005859, MONDO:0008876, OMIM 210900.
Hereditary cancer-predisposing syndrome. Also called: Tumor predisposition; Hereditary Cancer Syndrome; Neoplastic Syndromes, Hereditary; Hereditary neoplastic syndrome. Identifiers: Orphanet 140162, MedGen C0027672, MeSH D009386, MONDO:0015356.

Allele frequency attached by ClinVar (database versions not stated): gnomAD exomes 0.00002.
gnomAD v4.1: 31 of 1,609,906 alleles (0.0019%); highest among the groups gnomAD compares: Non-Finnish European, 0.0025%; no homozygotes.

Submissions (4):

Quest Diagnostics Nichols Institute San Juan Capistrano
Classification: Uncertain significance. Last evaluated: 2025-06-11. Review status: criteria provided, single submitter. Criteria: Quest Diagnostics criteria. Collection method: clinical testing. Allele origin: unknown.
Comment: The BLM c.954C>G (p.Cys318Trp) variant has not been reported in individuals with BLM-related conditions in the published literature. It also has not been reported in large, multi-ethnic general populations (Genome Aggregation Database). Analysis of this variant using bioinformatics tools for the prediction of the effect of amino acid changes on protein structure and function yielded predictions that this variant is benign. Based on the available information, we are unable to determine the clinical significance of this variant.

Ambry Genetics
Classification: Uncertain significance for Hereditary cancer-predisposing syndrome. Last evaluated: 2024-10-14. Review status: criteria provided, single submitter. Criteria: Ambry Variant Classification Scheme 2023. Collection method: clinical testing. Allele origin: germline.
Comment: The p.C318W variant (also known as c.954C>G), located in coding exon 3 of the BLM gene, results from a C to G substitution at nucleotide position 954. The cysteine at codon 318 is replaced by tryptophan, an amino acid with highly dissimilar properties. This amino acid position is well conserved in available vertebrate species. In addition, this alteration is predicted to be tolerated by in silico analysis. Based on the available evidence, the clinical significance of this variant remains unclear.

Labcorp Genetics (formerly Invitae), Labcorp
Classification: Uncertain significance for Bloom syndrome. Last evaluated: 2024-01-04. Review status: criteria provided, single submitter. Criteria: Invitae Variant Classification Sherloc (09022015). Collection method: clinical testing. Allele origin: germline.
Comment: This sequence change replaces cysteine, which is neutral and slightly polar, with tryptophan, which is neutral and slightly polar, at codon 318 of the BLM protein (p.Cys318Trp). This variant is not present in population databases (gnomAD no frequency). This variant has not been reported in the literature in individuals affected with BLM-related conditions. ClinVar contains an entry for this variant (Variation ID: 823325). Advanced modeling of protein sequence and biophysical properties (such as structural, functional, and spatial information, amino acid conservation, physicochemical variation, residue mobility, and thermodynamic stability) performed at Invitae indicates that this missense variant is not expected to disrupt BLM protein function with a negative predictive value of 80%. In summary, the available evidence is currently insufficient to determine the role of this variant in disease. Therefore, it has been classified as a Variant of Uncertain Significance.

Natera, Inc.
Classification: Uncertain significance for Bloom syndrome. Last evaluated: 2020-04-23. Review status: no assertion criteria provided. Collection method: clinical testing. Allele origin: germline. Not counted in ClinVar's aggregate classification.